The following is an entry in ClinVar:

NM_000384.3(APOB):c.5489C>A (p.Ala1830Asp)

Gene: APOB (apolipoprotein B; minus strand). Cytogenetic location: 2p24.1.
Variant type: single nucleotide variant.
Coding change: c.5489C>A on transcript NM_000384.3 (MANE Select); coding-DNA position 5489, C replaced by A.
Protein change: p.Ala1830Asp; replaces alanine 1830 with aspartic acid.
Molecular consequence: missense variant.
Genome position (GRCh38, 1-based): chr2:21,011,379, G>T on the plus strand (C>A on the coding strand, the complement: APOB is on the minus strand). VCF-style: chr2-21011379-G-T. GRCh37 (hg19) VCF-style: chr2-21234251-G-T.
Other names: short protein forms A1830D.
Identifiers: ClinVar variation 3416191 (VCV003416191.2).

ClinVar aggregate classification (germline): Uncertain significance. Review status: criteria provided, multiple submitters, no conflicts (2 of 4 stars). 2 submissions from 2 submitters: Uncertain significance (2). Last evaluated 2026-03-17.

Conditions:
Cardiovascular phenotype. Identifiers: MedGen CN230736.

gnomAD v4.1: 3 of 1,614,062 alleles (0.00019%); highest among the groups gnomAD compares: African/African-American, 0.0013%; no homozygotes.

Submissions (2):

GeneDx
Classification: Uncertain significance. Last evaluated: 2026-03-17. Review status: criteria provided, single submitter. Criteria: GeneDx Variant Classification Process June 2021. Collection method: clinical testing. Allele origin: germline.
Comment: Not observed at significant frequency in large population cohorts (gnomAD); In silico analysis supports that this missense variant has a deleterious effect on protein structure/function; Has not been previously published as pathogenic or benign to our knowledge; Also known as p.(A1803D)

Ambry Genetics
Classification: Uncertain significance for Cardiovascular phenotype. Last evaluated: 2024-10-08. Review status: criteria provided, single submitter. Criteria: Ambry Variant Classification Scheme 2023. Collection method: clinical testing. Allele origin: germline.
Comment: The p.A1830D variant (also known as c.5489C>A), located in coding exon 26 of the APOB gene, results from a C to A substitution at nucleotide position 5489. The alanine at codon 1830 is replaced by aspartic acid, an amino acid with dissimilar properties. This amino acid position is conserved. In addition, this alteration is predicted to be tolerated by in silico analysis. Based on the available evidence, the clinical significance of this variant remains unclear.